The following is an entry in ClinVar:

NM_032436.4(CHAMP1):c.731C>T (p.Ser244Phe)

Gene: CHAMP1 (chromosome alignment maintaining phosphoprotein 1; plus strand). Cytogenetic location: 13q34.
Variant type: single nucleotide variant.
Coding change: c.731C>T on transcript NM_032436.4 (MANE Select); coding-DNA position 731, C replaced by T.
Protein change: p.Ser244Phe; replaces serine 244 with phenylalanine.
Molecular consequence: missense variant.
Genome position (GRCh38, 1-based): chr13:114,324,573, C>T. VCF-style: chr13-114324573-C-T. GRCh37 (hg19) VCF-style: chr13-115090048-C-T.
Other names: c.731C>T, p.Ser244Phe (NM_001164144.3, NM_001164145.3); short protein forms S244F.
Identifiers: ClinVar variation 3381726 (VCV003381726.2).
Genomic context (GRCh38, chr13:114,324,573, plus strand): 5'-ATCCCAAACCCCAGAAGCAGTCTCATTTCCCGGAAACATTGGGGCCACCTTCAGCCTCAT[C>T]TCCAGAGTCACCAGTTCTAGCTGCTTCCCCAGAACCTTGGGGACCATCCCCAGCTGCATC-3'
Protein context (NP_115812.1, residues 234-254): PETLGPPSAS[Ser244Phe]PESPVLAASP

ClinVar aggregate classification (germline): Likely pathogenic (1 of 4 stars; one submission).

Submission:

GeneDx
Classification: Likely pathogenic. Last evaluated: 2024-12-17. Review status: criteria provided, single submitter. Criteria: GeneDx Variant Classification Process June 2021. Collection method: clinical testing. Allele origin: germline.
Comment: Not observed at significant frequency in large population cohorts (gnomAD); In silico analysis supports that this missense variant has a deleterious effect on protein structure/function; Has not been previously published as pathogenic or benign to our knowledge